The following is an entry in ClinVar:

ClinVar aggregate classification (germline): Likely benign. Review status: criteria provided, multiple submitters, no conflicts (2 of 4 stars). 2 submissions from 2 submitters: Likely benign (2). Last evaluated 2026-03-03.

Conditions:
IFT56-related disorder. Also called: IFT56-related condition.

gnomAD v4.1: 18 of 1,613,550 alleles (0.0011%); highest among the groups gnomAD compares: African/African-American, 0.02%; no homozygotes.

Submissions (2):

PreventionGenetics, part of Exact Sciences
Classification: Likely benign for IFT56-related condition. Last evaluated: 2026-03-03. Review status: criteria provided, single submitter. Criteria: ACMG Guidelines, 2015. Collection method: clinical testing. Allele origin: germline.
Comment: This variant is classified as likely benign based on ACMG/AMP sequence variant interpretation guidelines (Richards et al. 2015 PMID: 25741868, with internal and published modifications).

Labcorp Genetics (formerly Invitae), Labcorp
Classification: Likely benign. Last evaluated: 2025-08-13. Review status: criteria provided, single submitter. Criteria: Invitae Variant Classification Sherloc (09022015). Collection method: clinical testing. Allele origin: germline.

NM_024926.4(IFT56):c.462A>G (p.Gln154=)

Gene: IFT56 (intraflagellar transport 56; plus strand). Cytogenetic location: 7q34.
Variant type: single nucleotide variant.
Coding change: c.462A>G on transcript NM_024926.4 (MANE Select); coding-DNA position 462, A replaced by G.
Protein change: p.Gln154=; no amino-acid change (glutamine 154 retained).
Molecular consequence: synonymous variant. On other transcripts: intron variant (2).
Genome position (GRCh38, 1-based): chr7:139,147,207, A>G. VCF-style: chr7-139147207-A-G. GRCh37 (hg19) VCF-style: chr7-138831953-A-G.
Other names: c.462A>G (NM_024926.3); c.462A>G, p.Gln154= (NM_001144920.3, NM_001321740.2, NM_001321742.2); c.369A>G, p.Gln123= (NM_001144923.3); c.147A>G, p.Gln49= (NM_001287513.2); c.42A>G, p.Gln14= (NM_001318333.2); c.399+4902A>G (NM_001321741.2, NM_001287512.2).
Identifiers: ClinVar variation 4791826 (VCV004791826.2).